The following is an entry in ClinVar:

NM_004656.4(BAP1):c.1742G>C (p.Gly581Ala)

Gene: BAP1 (BRCA1 associated deubiquitinase 1; minus strand). Cytogenetic location: 3p21.1.
Variant type: single nucleotide variant.
Coding change: c.1742G>C on transcript NM_004656.4 (MANE Select); coding-DNA position 1742, G replaced by C.
Protein change: p.Gly581Ala; replaces glycine 581 with alanine.
Molecular consequence: missense variant.
Genome position (GRCh38, 1-based): chr3:52,403,286, C>G on the plus strand (G>C on the coding strand, the complement: BAP1 is on the minus strand). VCF-style: chr3-52403286-C-G. GRCh37 (hg19) VCF-style: chr3-52437302-C-G.
Other names: short protein forms G581A.
Identifiers: ClinVar variation 664432 (VCV000664432.14), dbSNP rs1578219900, ClinGen allele CA353099299.

ClinVar aggregate classification (germline): Conflicting classifications of pathogenicity. Review status: criteria provided, conflicting classifications (1 of 4 stars). 3 submissions from 3 submitters: Uncertain significance (2); Likely benign (1). Last evaluated 2024-11-27.

Conditions:
Hereditary cancer-predisposing syndrome. Also called: Tumor predisposition; Hereditary neoplastic syndrome; Neoplastic Syndromes, Hereditary; Hereditary Cancer Syndrome. Identifiers: Orphanet 140162, MedGen C0027672, MeSH D009386, MONDO:0015356.
BAP1-related tumor predisposition syndrome (TPDS1). Also called: BAP1 tumor predisposition syndrome; Tumor susceptibility linked to germline BAP1 mutations; COMMON Syndrome; TUMOR PREDISPOSITION SYNDROME 1. Identifiers: Orphanet 289539, MedGen C3280492, MONDO:0013692, OMIM 614327.

Submissions (3):

Labcorp Genetics (formerly Invitae), Labcorp
Classification: Uncertain significance for BAP1-related tumor predisposition syndrome. Last evaluated: 2024-11-27. Review status: criteria provided, single submitter. Criteria: Invitae Variant Classification Sherloc (09022015). Collection method: clinical testing. Allele origin: germline.
Comment: This sequence change replaces glycine, which is neutral and non-polar, with alanine, which is neutral and non-polar, at codon 581 of the BAP1 protein (p.Gly581Ala). This variant is not present in population databases (gnomAD no frequency). This variant has not been reported in the literature in individuals affected with BAP1-related conditions. ClinVar contains an entry for this variant (Variation ID: 664432). Invitae Evidence Modeling of protein sequence and biophysical properties (such as structural, functional, and spatial information, amino acid conservation, physicochemical variation, residue mobility, and thermodynamic stability) indicates that this missense variant is not expected to disrupt BAP1 protein function with a negative predictive value of 80%. In summary, the available evidence is currently insufficient to determine the role of this variant in disease. Therefore, it has been classified as a Variant of Uncertain Significance.

Ambry Genetics
Classification: Likely benign for Hereditary cancer-predisposing syndrome. Last evaluated: 2024-09-18. Review status: criteria provided, single submitter. Criteria: Ambry Variant Classification Scheme 2023. Collection method: clinical testing. Allele origin: germline.

Color Diagnostics, LLC DBA Color Health
Classification: Uncertain significance for Hereditary cancer-predisposing syndrome. Last evaluated: 2024-05-03. Review status: criteria provided, single submitter. Criteria: ACMG Guidelines, 2015. Collection method: clinical testing. Allele origin: germline.
Comment: This missense variant replaces glycine with alanine at codon 581 of the BAP1 protein. Computational prediction suggests that this variant may not impact protein structure and function. To our knowledge, functional studies have not been reported for this variant. This variant has not been reported in individuals affected with BAP1-related disorders in the literature. This variant has not been identified in the general population by the Genome Aggregation Database (gnomAD). The available evidence is insufficient to determine the role of this variant in disease conclusively. Therefore, this variant is classified as a Variant of Uncertain Significance.